The following is an entry in ClinVar:

ClinVar aggregate classification (germline): Uncertain significance (1 of 4 stars; one submission).

Conditions:
Hereditary cancer-predisposing syndrome. Also called: Neoplastic Syndromes, Hereditary; Tumor predisposition; Hereditary Cancer Syndrome; Hereditary neoplastic syndrome. Identifiers: Orphanet 140162, MedGen C0027672, MeSH D009386, MONDO:0015356.

Submission:

Ambry Genetics
Classification: Uncertain significance for Hereditary cancer-predisposing syndrome. Last evaluated: 2026-04-08. Review status: criteria provided, single submitter. Criteria: Ambry Variant Classification Scheme 2023. Collection method: clinical testing. Allele origin: germline.
Comment: The p.V467A variant (also known as c.1400T>C), located in coding exon 15 of the CDC73 gene, results from a T to C substitution at nucleotide position 1400. The valine at codon 467 is replaced by alanine, an amino acid with similar properties. This amino acid position is conserved. In addition, the in silico prediction for this alteration is inconclusive. Based on the available evidence, the clinical significance of this variant remains unclear.

NM_024529.5(CDC73):c.1400T>C (p.Val467Ala)

Gene: CDC73 (cell division cycle 73; plus strand). Cytogenetic location: 1q31.2.
Variant type: single nucleotide variant.
Coding change: c.1400T>C on transcript NM_024529.5 (MANE Select); coding-DNA position 1400, T replaced by C.
Protein change: p.Val467Ala; replaces valine 467 with alanine.
Molecular consequence: missense variant.
Genome position (GRCh38, 1-based): chr1:193,236,339, T>C. VCF-style: chr1-193236339-T-C. GRCh37 (hg19) VCF-style: chr1-193205469-T-C.
Other names: short protein forms V467A.
Identifiers: ClinVar variation 4868356 (VCV004868356.1).